The following is an entry in ClinVar:

ClinVar aggregate classification (germline): Uncertain significance. Review status: criteria provided, multiple submitters, no conflicts (2 of 4 stars). 7 submissions from 7 submitters: Uncertain significance (7). Last evaluated 2026-05-08.

Conditions:
MYPN-related disorder. Also called: MYPN-related condition.
MYPN-related myopathy (CMYO24). Also called: Nemaline myopathy 11, autosomal recessive. Identifiers: MedGen C4479186, MONDO:0015023, OMIM 617336.
Dilated cardiomyopathy 1KK (CMD1KK). Identifiers: Orphanet 154, Orphanet 75249, MedGen C3714995, MONDO:0014100, OMIM 615248.
Cardiovascular phenotype. Identifiers: MedGen CN230736.

Allele frequency attached by ClinVar (database versions not stated): gnomAD exomes 0.00001 and 0.00004; TOPMed 0.00002; ExAC 0.00003; gnomAD 0.00003 and 0.00004.
gnomAD v4.1: 64 of 1,614,106 alleles (0.004%); highest among the groups gnomAD compares: Non-Finnish European, 0.0049%; no homozygotes.

Submissions (7):

Women's Health and Genetics/Laboratory Corporation of America, LabCorp
Classification: Uncertain significance. Last evaluated: 2026-05-08. Review status: criteria provided, single submitter. Criteria: LabCorp Variant Classification Summary - May 2015. Collection method: clinical testing. Allele origin: germline.

PreventionGenetics, part of Exact Sciences
Classification: Uncertain significance for MYPN-related condition. Last evaluated: 2025-08-13. Review status: criteria provided, single submitter. Criteria: ACMG Guidelines, 2015. Collection method: clinical testing. Allele origin: germline.
Comment: The MYPN c.1518T>G variant is predicted to result in the amino acid substitution p.Phe506Leu. To our knowledge, this variant has not been reported in the literature. This variant is reported in 0.0026% of alleles in individuals of European (Non-Finnish) descent in gnomAD. At this time, the clinical significance of this variant is uncertain due to the absence of conclusive functional and genetic evidence.

Ambry Genetics
Classification: Uncertain significance for Cardiovascular phenotype. Last evaluated: 2024-09-25. Review status: criteria provided, single submitter. Criteria: Ambry Variant Classification Scheme 2023. Collection method: clinical testing. Allele origin: germline.
Comment: The p.F506L variant (also known as c.1518T>G), located in coding exon 8 of the MYPN gene, results from a T to G substitution at nucleotide position 1518. The phenylalanine at codon 506 is replaced by leucine, an amino acid with highly similar properties. This amino acid position is highly conserved in available vertebrate species. In addition, the in silico prediction for this alteration is inconclusive. Since supporting evidence is limited at this time, the clinical significance of this alteration remains unclear.

GeneDx
Classification: Uncertain significance. Last evaluated: 2024-09-24. Review status: criteria provided, single submitter. Criteria: GeneDx Variant Classification Process June 2021. Collection method: clinical testing. Allele origin: germline. Affected: yes.
Comment: Not observed at significant frequency in large population cohorts (gnomAD); In silico analysis supports that this missense variant has a deleterious effect on protein structure/function; Has not been previously published as pathogenic or benign to our knowledge

Mayo Clinic Laboratories, Mayo Clinic
Classification: Uncertain significance. Last evaluated: 2022-05-13. Review status: criteria provided, single submitter. Criteria: ACMG Guidelines, 2015. Collection method: clinical testing. Allele origin: germline. Observed: 1 variant allele.
Comment: BP5

Fulgent Genetics
Classification: Uncertain significance for Dilated cardiomyopathy 1KK; MYPN-related myopathy. Last evaluated: 2021-08-09. Review status: criteria provided, single submitter. Criteria: ACMG Guidelines, 2015. Collection method: clinical testing. Allele origin: unknown.

Labcorp Genetics (formerly Invitae), Labcorp
Classification: Uncertain significance for Dilated cardiomyopathy 1KK. Last evaluated: 2021-08-04. Review status: criteria provided, single submitter. Criteria: Invitae Variant Classification Sherloc (09022015). Collection method: clinical testing. Allele origin: germline.
Comment: This sequence change replaces phenylalanine with leucine at codon 506 of the MYPN protein (p.Phe506Leu). The phenylalanine residue is highly conserved and there is a small physicochemical difference between phenylalanine and leucine. This variant is present in population databases (rs780297988, ExAC 0.006%). This variant has not been reported in the literature in individuals affected with MYPN-related conditions. Algorithms developed to predict the effect of missense changes on protein structure and function are either unavailable or do not agree on the potential impact of this missense change (SIFT: "Tolerated"; PolyPhen-2: "Probably Damaging"; Align-GVGD: "Class C0"). In summary, the available evidence is currently insufficient to determine the role of this variant in disease. Therefore, it has been classified as a Variant of Uncertain Significance.

NM_032578.4(MYPN):c.1518T>G (p.Phe506Leu)

Gene: MYPN (myopalladin; plus strand). Cytogenetic location: 10q21.3.
Variant type: single nucleotide variant.
Coding change: c.1518T>G on transcript NM_032578.4 (MANE Select); coding-DNA position 1518, T replaced by G.
Protein change: p.Phe506Leu; replaces phenylalanine 506 with leucine.
Molecular consequence: missense variant. On other transcripts: non-coding transcript variant (2).
Genome position (GRCh38, 1-based): chr10:68,165,736, T>G. VCF-style: chr10-68165736-T-G. GRCh37 (hg19) VCF-style: chr10-69925493-T-G.
Other names: p.Phe506Leu; c.1518T>G, p.Phe506Leu (NM_001256267.2); c.636T>G, p.Phe212Leu (NM_001256268.2); short protein forms F506L, F212L.
Identifiers: ClinVar variation 566151 (VCV000566151.15), dbSNP rs780297988, ClinGen allele CA5522603.